The following is an entry in ClinVar:

NM_005732.4(RAD50):c.2527T>C (p.Ser843Pro)

Gene: RAD50 (RAD50 double strand break repair protein; plus strand). Cytogenetic location: 5q31.1.
Variant type: single nucleotide variant.
Coding change: c.2527T>C on transcript NM_005732.4 (MANE Select); coding-DNA position 2527, T replaced by C.
Protein change: p.Ser843Pro; replaces serine 843 with proline.
Molecular consequence: missense variant.
Genome position (GRCh38, 1-based): chr5:132,604,808, T>C. VCF-style: chr5-132604808-T-C. GRCh37 (hg19) VCF-style: chr5-131940500-T-C.
Other names: short protein forms S843P.
Identifiers: ClinVar variation 821431 (VCV000821431.5), dbSNP rs1581001995, ClinGen allele CA360956157.

ClinVar aggregate classification (germline): Uncertain significance (1 of 4 stars; one submission).

Conditions:
Hereditary cancer-predisposing syndrome. Also called: Neoplastic Syndromes, Hereditary; Tumor predisposition; Hereditary Cancer Syndrome; Hereditary neoplastic syndrome. Identifiers: Orphanet 140162, MedGen C0027672, MeSH D009386, MONDO:0015356.

Submission:

Ambry Genetics
Classification: Uncertain significance for Hereditary cancer-predisposing syndrome. Last evaluated: 2023-08-30. Review status: criteria provided, single submitter. Criteria: Ambry Variant Classification Scheme 2023. Collection method: clinical testing. Allele origin: germline.
Comment: The p.S843P variant (also known as c.2527T>C), located in coding exon 16 of the RAD50 gene, results from a T to C substitution at nucleotide position 2527. The serine at codon 843 is replaced by proline, an amino acid with similar properties. This amino acid position is well conserved in available vertebrate species. In addition, the in silico prediction for this alteration is inconclusive. Since supporting evidence is limited at this time, the clinical significance of this alteration remains unclear.